The following is an entry in ClinVar:

NM_024753.5(TTC21B):c.1832T>C (p.Val611Ala)

Gene: TTC21B (tetratricopeptide repeat domain 21B; minus strand). Cytogenetic location: 2q24.3.
Variant type: single nucleotide variant.
Coding change: c.1832T>C on transcript NM_024753.5 (MANE Select); coding-DNA position 1832, T replaced by C.
Protein change: p.Val611Ala; replaces valine 611 with alanine.
Molecular consequence: missense variant.
Genome position (GRCh38, 1-based): chr2:165,917,324, A>G on the plus strand (T>C on the coding strand, the complement: TTC21B is on the minus strand). VCF-style: chr2-165917324-A-G. GRCh37 (hg19) VCF-style: chr2-166773834-A-G.
Other names: c.1832T>C (NM_024753.4); short protein forms V611A.
Identifiers: ClinVar variation 2038418 (VCV002038418.6), dbSNP rs918580042, ClinGen allele CA59800850.

ClinVar aggregate classification (germline): Uncertain significance. Review status: criteria provided, multiple submitters, no conflicts (2 of 4 stars). 3 submissions from 3 submitters: Uncertain significance (3). Last evaluated 2026-06-05.

Conditions:
TTC21B-related disorder. Also called: TTC21B-related condition; TTC21B-related disorders.
Inborn genetic diseases. Identifiers: MedGen C0950123, MeSH D030342.
Nephronophthisis. Also called: Juvenile Nephronophthisis. Identifiers: Orphanet 655, MedGen C0687120, MONDO:0019005, HP:0000090.
Jeune thoracic dystrophy. Also called: Jeune syndrome; Infantile thoracic dystrophy; Thoracic pelvic phalangeal dystrophy; Jeune's syndrome; Chondroectodermal dysplasia-like syndrome; Short-rib thoracic dysplasia. Identifiers: Orphanet 474, MedGen C0265275, MONDO:0018770.

Allele frequency attached by ClinVar (database versions not stated): TOPMed below 0.00001.
gnomAD v4.1: 2 of 1,614,176 alleles (0.00012%); no homozygotes.

Submissions (3):

PreventionGenetics, part of Exact Sciences
Classification: Uncertain significance for TTC21B-related condition. Last evaluated: 2026-06-05. Review status: criteria provided, single submitter. Criteria: ACMG Guidelines, 2015. Collection method: clinical testing. Allele origin: germline.
Comment: The TTC21B c.1832T>C variant is predicted to result in the amino acid substitution p.Val611Ala. To our knowledge, this variant has not been reported in the literature or in a large population database (gnomAD), indicating this variant is rare. At this time, the clinical significance of this variant is uncertain due to the absence of conclusive functional and genetic evidence.

Labcorp Genetics (formerly Invitae), Labcorp
Classification: Uncertain significance for Jeune thoracic dystrophy; Nephronophthisis. Last evaluated: 2022-12-28. Review status: criteria provided, single submitter. Criteria: Invitae Variant Classification Sherloc (09022015). Collection method: clinical testing. Allele origin: germline.
Comment: In summary, the available evidence is currently insufficient to determine the role of this variant in disease. Therefore, it has been classified as a Variant of Uncertain Significance. Advanced modeling of protein sequence and biophysical properties (such as structural, functional, and spatial information, amino acid conservation, physicochemical variation, residue mobility, and thermodynamic stability) performed at Invitae indicates that this missense variant is not expected to disrupt TTC21B protein function. This variant has not been reported in the literature in individuals affected with TTC21B-related conditions. This variant is not present in population databases (gnomAD no frequency). This sequence change replaces valine, which is neutral and non-polar, with alanine, which is neutral and non-polar, at codon 611 of the TTC21B protein (p.Val611Ala).

Ambry Genetics
Classification: Uncertain significance for Inborn genetic diseases. Last evaluated: 2022-11-03. Review status: criteria provided, single submitter. Criteria: Ambry Variant Classification Scheme 2023. Collection method: clinical testing. Allele origin: germline.